The following is an entry in ClinVar:

ClinVar aggregate classification (germline): Conflicting classifications of pathogenicity. Review status: criteria provided, conflicting classifications (1 of 4 stars). 3 submissions from 3 submitters: Pathogenic (1); Uncertain significance (2). Last evaluated 2025-10-21.

Allele frequency attached by ClinVar (database versions not stated): gnomAD exomes 0.00001.
gnomAD v4.1: 11 of 1,613,900 alleles (0.00068%); highest among the groups gnomAD compares: Non-Finnish European, 0.00093%; no homozygotes.

Submissions (3):

Women's Health and Genetics/Laboratory Corporation of America, LabCorp
Classification: Uncertain significance. Last evaluated: 2025-10-21. Review status: criteria provided, single submitter. Criteria: LabCorp Variant Classification Summary - May 2015. Collection method: clinical testing. Allele origin: germline.
Comment: Variant summary: USH2A c.8546G>T (p.Gly2849Val) results in a non-conservative amino acid change in the encoded protein sequence. Algorithms developed to predict the effect of missense changes on protein structure and function are either unavailable or do not agree on the potential impact of this missense change. The variant was absent in 249908 control chromosomes (gnomAD). The available data on variant occurrences in the general population are insufficient to allow any conclusion about variant significance. c.8546G>T has been observed in one individual affected with clinical features of USH2A-related disease (Lenassi_2015). These data do not allow any conclusion about variant significance. To our knowledge, no experimental evidence demonstrating an impact on protein function has been reported. The following publications have been ascertained in the context of this evaluation (PMID: 25649381, 38219857, 31904091). ClinVar contains an entry for this variant (Variation ID: 419673). Based on the evidence outlined above, the variant was classified as uncertain significance.

Labcorp Genetics (formerly Invitae), Labcorp
Classification: Uncertain significance. Last evaluated: 2021-01-29. Review status: criteria provided, single submitter. Criteria: Invitae Variant Classification Sherloc (09022015). Collection method: clinical testing. Allele origin: germline.
Comment: This sequence change replaces glycine with valine at codon 2849 of the USH2A protein (p.Gly2849Val). The glycine residue is highly conserved and there is a moderate physicochemical difference between glycine and valine. This variant is not present in population databases (ExAC no frequency). This variant has been observed in individual(s) with clinical features of retinal disease (PMID: 25649381). ClinVar contains an entry for this variant (Variation ID: 419673). Algorithms developed to predict the effect of missense changes on protein structure and function (SIFT, PolyPhen-2, Align-GVGD) all suggest that this variant is likely to be disruptive, but these predictions have not been confirmed by published functional studies and their clinical significance is uncertain. Algorithms developed to predict the effect of sequence changes on RNA splicing suggest that this variant may create or strengthen a splice site, but this prediction has not been confirmed by published transcriptional studies. In summary, the available evidence is currently insufficient to determine the role of this variant in disease. Therefore, it has been classified as a Variant of Uncertain Significance.

GeneDx
Classification: Pathogenic. Last evaluated: 2015-08-18. Review status: criteria provided, single submitter. Criteria: GeneDx Variant Classification (06012015). Collection method: clinical testing. Allele origin: germline. Affected: yes.
Comment: The G2849V variant has been reported previously in an individual who also harbored a frameshiftvariant and who was diagnosed with recessive retinal disease (Lenassi et al., 2015). The G2849Vsubstitution was not observed in approximately 6,500 individuals of European and African American ancestryin the NHLBI Exome Sequencing Project, indicating it is not a common benign variant in these populations.The G2849V variant is a conservative amino acid substitution that occurs at a position that is conservedacross species. In silico analysis predicts this substitution is probably damaging to the proteinstructure/function. Therefore, we interpret G2849V as a pathogenic variant.

Literature cited by the submitters: PubMed 25649381 (cited by Women's Health and Genetics/Laboratory Corporation of America, LabCorp and Labcorp Genetics (formerly Invitae), Labcorp); PubMed 31904091 (cited by Women's Health and Genetics/Laboratory Corporation of America, LabCorp); PubMed 38219857 (cited by Women's Health and Genetics/Laboratory Corporation of America, LabCorp).

NM_206933.4(USH2A):c.8546G>T (p.Gly2849Val)

Gene: USH2A (usherin; minus strand). Cytogenetic location: 1q41.
Variant type: single nucleotide variant.
Coding change: c.8546G>T on transcript NM_206933.4 (MANE Select); coding-DNA position 8546, G replaced by T.
Protein change: p.Gly2849Val; replaces glycine 2849 with valine.
Molecular consequence: missense variant.
Genome position (GRCh38, 1-based): chr1:215,878,776, C>A on the plus strand (G>T on the coding strand, the complement: USH2A is on the minus strand). VCF-style: chr1-215878776-C-A. GRCh37 (hg19) VCF-style: chr1-216052118-C-A.
Other names: short protein forms G2849V.
Identifiers: ClinVar variation 419673 (VCV000419673.11), dbSNP rs1064794034, ClinGen allele CA16617056.
Genomic context (GRCh38, chr1:215,878,776, plus strand): 5'-AGAGATAAGGACTACAGCAACATAAAAATCATAGTCACCTTCTCTTACCTCAAATTAGGT[C>A]CATTTGGCTTGGATGGTGGTTGCCAAGAAATCACAACATATGATTCACTTAGTGGAATCA-3'
Protein context (NP_996816.3, residues 2839-2859): ISWQPPSKPN[Gly2849Val]PNLRYELLRR